The following is an entry in ClinVar:

NM_000038.6(APC):c.1027A>C (p.Ser343Arg)

Gene: APC (APC regulator of Wnt signaling pathway; plus strand). Cytogenetic location: 5q22.2.
Variant type: single nucleotide variant.
Coding change: c.1027A>C on transcript NM_000038.6 (MANE Select); coding-DNA position 1027, A replaced by C.
Protein change: p.Ser343Arg; replaces serine 343 with arginine.
Molecular consequence: missense variant. On other transcripts: intron variant (4).
Genome position (GRCh38, 1-based): chr5:112,819,059, A>C. VCF-style: chr5-112819059-A-C. GRCh37 (hg19) VCF-style: chr5-112154756-A-C.
Other names: c.1027A>C, p.Ser343Arg (NM_001127510.3, NM_001354895.2, NM_001354896.2 and 4 more transcripts); c.973A>C, p.Ser325Arg (NM_001127511.3); c.1057A>C, p.Ser353Arg (NM_001354897.2, NM_001407446.1); c.952A>C, p.Ser318Arg (NM_001354898.2, NM_001407451.1); c.943A>C, p.Ser315Arg (NM_001354899.2, NM_001407452.1); c.850A>C, p.Ser284Arg (NM_001354900.2, NM_001354901.2, NM_001407453.1); c.178A>C, p.Ser60Arg (NM_001354906.2, NM_001407470.1); c.964-210A>C (NM_001354902.2); and 3 more; short protein forms S284R, S343R, S353R, S318R, S60R, S315R, S325R.
Identifiers: ClinVar variation 2121720 (VCV002121720.4), dbSNP rs2149780043, ClinGen allele CA16023558.
Genomic context (GRCh38, chr5:112,819,059, plus strand): 5'-GGTACTCATGATAAGGATGATATGTCGCGAACTTTGCTAGCTATGTCTAGCTCCCAAGAC[A>C]GCTGTATATCCATGCGACAGTCTGGATGTCTTCCTCTCCTCATCCAGCTTTTACATGGCA-3'
Protein context (NP_000029.2, residues 333-353): TLLAMSSSQD[Ser343Arg]CISMRQSGCL

ClinVar aggregate classification (germline): Uncertain significance (1 of 4 stars; one submission).

Conditions:
Familial adenomatous polyposis 1 (FAP1). Also called: POLYPOSIS, ADENOMATOUS INTESTINAL; FAMILIAL ADENOMATOUS POLYPOSIS 1, ATTENUATED. Identifiers: MedGen C2713442, MONDO:0021056, OMIM 175100. Disease mechanism: loss of function.

Submission:

Labcorp Genetics (formerly Invitae), Labcorp
Classification: Uncertain significance for Familial adenomatous polyposis 1. Last evaluated: 2025-11-18. Review status: criteria provided, single submitter. Criteria: Invitae Variant Classification Sherloc (09022015). Collection method: clinical testing. Allele origin: germline.
Comment: This sequence change replaces serine, which is neutral and polar, with arginine, which is basic and polar, at codon 343 of the APC protein (p.Ser343Arg). This variant is not present in population databases (gnomAD no frequency). This variant has not been reported in the literature in individuals affected with APC-related conditions. ClinVar contains an entry for this variant (Variation ID: 2121720). Invitae Evidence Modeling of protein sequence and biophysical properties (such as structural, functional, and spatial information, amino acid conservation, physicochemical variation, residue mobility, and thermodynamic stability) indicates that this missense variant is not expected to disrupt APC protein function with a negative predictive value of 95%. In summary, the available evidence is currently insufficient to determine the role of this variant in disease. Therefore, it has been classified as a Variant of Uncertain Significance.